The following is an entry in ClinVar:

ClinVar aggregate classification (germline): Pathogenic/Likely pathogenic. Review status: criteria provided, multiple submitters, no conflicts (2 of 4 stars). 2 submissions from 2 submitters: Pathogenic (1); Likely pathogenic (1). Last evaluated 2025-12-01.

Conditions:
Alport syndrome. Also called: Hemorrhagic familial nephritis; Hemorrhagic hereditary nephritis; Congenital hereditary hematuria. Identifiers: Orphanet 63, MedGen C1567741, MONDO:0018965.

Submissions (2):

Labcorp Genetics (formerly Invitae), Labcorp
Classification: Pathogenic. Last evaluated: 2025-12-01. Review status: criteria provided, single submitter. Criteria: Invitae Variant Classification Sherloc (09022015). Collection method: clinical testing. Allele origin: germline.
Comment: This sequence change creates a premature translational stop signal (p.Arg830Glufs*39) in the COL4A4 gene. It is expected to result in an absent or disrupted protein product. Loss-of-function variants in COL4A4 are known to be pathogenic (PMID: 21196518, 24854265, 25307543). This variant is not present in population databases (gnomAD no frequency). This variant has not been reported in the literature in individuals affected with COL4A4-related conditions. ClinVar contains an entry for this variant (Variation ID: 2125550). For these reasons, this variant has been classified as Pathogenic.

Natera, Inc.
Classification: Likely pathogenic for Alport syndrome. Last evaluated: 2025-03-10. Review status: criteria provided, single submitter. Criteria: Natera Variant Classification Schema (03/2026). Collection method: clinical testing. Allele origin: germline.
Comment: The c.2488del variant in COL4A4 is a frameshift variant predicted to shift the reading frame beginning at codon 830 and leads to a stop codon 39 codons downstream. This variant is expected to result in nonsense mediated decay, truncation, or a dysfunctional protein product. This variant is rare in the general population with a frequency below the threshold expected for the associated phenotype(s). Given the available evidence, this variant is classified as Likely Pathogenic.

Literature cited by the submitters: PubMed 21196518 (cited by Labcorp Genetics (formerly Invitae), Labcorp); PubMed 24854265 (cited by Labcorp Genetics (formerly Invitae), Labcorp); PubMed 25307543 (cited by Labcorp Genetics (formerly Invitae), Labcorp).

NM_000092.5(COL4A4):c.2488del (p.Arg830fs)

Gene: COL4A4 (collagen type IV alpha 4 chain; minus strand). Cytogenetic location: 2q36.3.
Variant type: Deletion.
Coding change: c.2488del on transcript NM_000092.5 (MANE Select); coding-DNA position 2488, one base deleted (A; older notation c.2488delA).
Protein change: p.Arg830fs; shifts the reading frame from arginine 830.
Molecular consequence: frameshift variant.
Genome position (GRCh38, 1-based): chr2:227,057,496, T deleted on the plus strand (A on the coding strand, the reverse complement: COL4A4 is on the minus strand); the first of 3 consecutive T bases (chr2:227,057,496-227,057,498); deleting any one gives the same sequence. VCF-style (leftmost placement, unchanged base first): chr2-227057495-CT-C. GRCh37 (hg19) VCF-style: chr2-227922211-CT-C.
Other names: c.2486delA, p.Arg830Glufs (NM_000092.4); c.2488del (NM_000092.4); short protein forms R830fs.
Identifiers: ClinVar variation 2125550 (VCV002125550.6), dbSNP rs2474163378, ClinGen allele CA2580065898.